The following is an entry in ClinVar:

ClinVar aggregate classification (germline): Pathogenic (1 of 4 stars; one submission).

Conditions:
Diamond-Blackfan anemia. Also called: Blackfan Diamond syndrome; Aregenerative anemia chronic congenital; Red cell aplasia, pure hereditary; Congenital hypoplastic anemia; Aase syndrome. Identifiers: Orphanet 124, MedGen C1260899, MeSH D029503, MONDO:0015253, HP:0004810.

Submission:

Ambry Genetics
Classification: Pathogenic for Diamond-Blackfan anemia. Last evaluated: 2015-07-09. Review status: criteria provided, single submitter. Criteria: Ambry Variant Classification Scheme 2023. Collection method: clinical testing. Allele origin: germline.
Comment: The p.M1? pathogenic mutation (also known as c.3G>A), located in coding exon 1 of the RPL5 gene, results from a G to A substitution at nucleotide position 3. This alters the methionine residue at the initiation codon. In addition, this change occurs in the last base pair of coding exon 1, which makes it likely to have some effect on normal mRNA splicing. Multiple other nucleotide substitutions that alter the initiation codon have also been reported in individuals with DBA (Konno Y et al. Haematologica 2010 Aug; 95(8):1293-9; Boria I et al. Hum. Mutat. 2010 Dec; 31(12):1269-79; Quarello P et al. Haematologica 2010 Feb; 95(2):206-13). In addition to the clinical data presented in the literature, since sequence variations that modify the initiation codon (ATG) are expected to result in either loss of translation initiation or N-terminal truncation, this alteration is interpreted as a disease-causing mutation (ACMG Recommendations for Standards for Interpretation and Reporting of Sequence Variations. Revision 2007. Genet Med. 2008;10:294).

Literature cited by the submitters: PubMed 19773262; PubMed 20378560; PubMed 20960466.

NM_000969.5(RPL5):c.3G>A (p.Met1Ile)

Gene: RPL5 (ribosomal protein L5; plus strand). Cytogenetic location: 1p22.1.
Variant type: single nucleotide variant.
Coding change: c.3G>A on transcript NM_000969.5 (MANE Select); coding-DNA position 3, G replaced by A.
Protein change: p.Met1Ile; changes the start codon (methionine 1).
Molecular consequence: missense variant, initiator codon variant. On other transcripts: non-coding transcript variant (1).
Genome position (GRCh38, 1-based): chr1:92,832,117, G>A. VCF-style: chr1-92832117-G-A. GRCh37 (hg19) VCF-style: chr1-93297674-G-A.
Other names: short protein forms M1I.
Identifiers: ClinVar variation 1736900 (VCV001736900.3), dbSNP rs138710531, ClinGen allele CA26755649.